The following is an entry in ClinVar:

ClinVar aggregate classification (germline): Uncertain significance. Review status: criteria provided, multiple submitters, no conflicts (2 of 4 stars). 2 submissions from 2 submitters: Uncertain significance (2). Last evaluated 2025-10-29.

Conditions:
Inborn genetic diseases. Identifiers: MedGen C0950123, MeSH D030342.

Allele frequency attached by ClinVar (database versions not stated): ExAC 0.00004; TOPMed 0.00010; gnomAD 0.00013; 1000 Genomes Project 30x 0.00016; ESP Exome Variant Server 0.00038.
gnomAD v4.1: 146 of 1,577,800 alleles (0.0093%); highest among the groups gnomAD compares: African/African-American, 0.012%; no homozygotes.

Submissions (2):

Ambry Genetics
Classification: Uncertain significance for Inborn genetic diseases. Last evaluated: 2025-10-29. Review status: criteria provided, single submitter. Criteria: Ambry Variant Classification Scheme 2023. Collection method: clinical testing. Allele origin: germline.

Labcorp Genetics (formerly Invitae), Labcorp
Classification: Uncertain significance. Last evaluated: 2025-09-04. Review status: criteria provided, single submitter. Criteria: Invitae Variant Classification Sherloc (09022015). Collection method: clinical testing. Allele origin: germline.
Comment: This sequence change replaces proline, which is neutral and non-polar, with serine, which is neutral and polar, at codon 6 of the RPIA protein (p.Pro6Ser). This variant is present in population databases (rs368598511, gnomAD 0.01%). This variant has not been reported in the literature in individuals affected with RPIA-related conditions. ClinVar contains an entry for this variant (Variation ID: 2458836). An algorithm developed to predict the effect of missense changes on protein structure and function (PolyPhen-2) suggests that this variant is likely to be tolerated. In summary, the available evidence is currently insufficient to determine the role of this variant in disease. Therefore, it has been classified as a Variant of Uncertain Significance.

NM_144563.3(RPIA):c.16C>T (p.Pro6Ser)

Genes: RPIA (ribose 5-phosphate isomerase A; plus strand), LOC129934277 (ATAC-STARR-seq lymphoblastoid silent region 11733; plus strand). Cytogenetic location: 2p11.2.
Variant type: single nucleotide variant.
Coding change: c.16C>T on transcript NM_144563.3 (MANE Select); coding-DNA position 16, C replaced by T.
Protein change: p.Pro6Ser; replaces proline 6 with serine.
Molecular consequence: missense variant.
Genome position (GRCh38, 1-based): chr2:88,691,714, C>T. VCF-style: chr2-88691714-C-T. GRCh37 (hg19) VCF-style: chr2-88991232-C-T.
Other names: short protein forms P6S.
Identifiers: ClinVar variation 2458836 (VCV002458836.4), dbSNP rs368598511, ClinGen allele CA1755052.
Genomic context (GRCh38, chr2:88,691,714, plus strand): 5'-GAGCCGGGGGCGGGACTTCAGCGGAGGCCGGAGCGAGGCGTCGGGATGCAGCGCCCCGGG[C>T]CCTTCAGCACCCTCTACGGGCGGGTCTTGGCCCCGCTGCCCGGGAGGGCCGGGGGCGCGG-3'
Protein context (NP_653164.2, residues 1-16): MQRPG[Pro6Ser]FSTLYGRVLA